The following is an entry in ClinVar:

ClinVar aggregate classification (germline): Uncertain significance. Review status: criteria provided, single submitter (1 of 4 stars). 2 submissions from 2 submitters: Uncertain significance (1). 1 of the submissions does not count toward it. Last evaluated 2026-01-06.

Conditions:
VWF-related disorder. Also called: VWF-related condition; VWF-related disorders.

gnomAD v4.1: 22 of 506,682 alleles (0.0043%); highest among the groups gnomAD compares: African/African-American, 0.037%; no homozygotes.

Submissions (2):

Women's Health and Genetics/Laboratory Corporation of America, LabCorp
Classification: Uncertain significance. Last evaluated: 2026-01-06. Review status: criteria provided, single submitter. Criteria: LabCorp Variant Classification Summary - May 2015. Collection method: clinical testing. Allele origin: germline.
Comment: Variant summary: VWF c.3391G>A (p.Glu1131Lys) results in a conservative amino acid change in the encoded protein sequence. Algorithms developed to predict the effect of missense changes on protein structure and function are either unavailable or do not agree on the potential impact of this missense change. The variant allele was found at a frequency of 3.7e-05 in 54028 control chromosomes. The available data on variant occurrences in the general population are insufficient to allow any conclusion about variant significance. To our knowledge, no occurrence of c.3391G>A in individuals affected with VWF-related conditions and no experimental evidence demonstrating its impact on protein function have been reported. ClinVar contains an entry for this variant (Variation ID: 3358728). Based on the evidence outlined above, the variant was classified as uncertain significance.

PreventionGenetics, part of Exact Sciences
Classification: Uncertain significance for VWF-related condition. Last evaluated: 2024-05-30. Review status: no assertion criteria provided. Collection method: clinical testing. Allele origin: germline. Not counted in ClinVar's aggregate classification.
Comment: The VWF c.3391G>A variant is predicted to result in the amino acid substitution p.Glu1131Lys. To our knowledge, this variant has not been reported in the literature. This variant is reported in 0.043% of alleles in individuals of African descent in gnomAD. At this time, the clinical significance of this variant is uncertain due to the absence of conclusive functional and genetic evidence.

NM_000552.5(VWF):c.3391G>A (p.Glu1131Lys)

Gene: VWF (von Willebrand factor; minus strand). Cytogenetic location: 12p13.31.
Variant type: single nucleotide variant.
Coding change: c.3391G>A on transcript NM_000552.5 (MANE Select); coding-DNA position 3391, G replaced by A.
Protein change: p.Glu1131Lys; replaces glutamic acid 1131 with lysine.
Molecular consequence: missense variant.
Genome position (GRCh38, 1-based): chr12:6,022,887, C>T on the plus strand (G>A on the coding strand, the complement: VWF is on the minus strand). VCF-style: chr12-6022887-C-T. GRCh37 (hg19) VCF-style: chr12-6132053-C-T.
Other names: short protein forms E1131K.
Identifiers: ClinVar variation 3358728 (VCV003358728.2).